The following is an entry in ClinVar:

NM_001039141.3(TRIOBP):c.5949C>T (p.Ser1983=)

Gene: TRIOBP (TRIO and F-actin binding protein; plus strand). Cytogenetic location: 22q13.1.
Variant type: single nucleotide variant.
Coding change: c.5949C>T on transcript NM_001039141.3 (MANE Select); coding-DNA position 5949, C replaced by T.
Protein change: p.Ser1983=; no amino-acid change (serine 1983 retained).
Molecular consequence: synonymous variant.
Genome position (GRCh38, 1-based): chr22:37,757,874, C>T. VCF-style: chr22-37757874-C-T. GRCh37 (hg19) VCF-style: chr22-38153881-C-T.
Other names: c.810C>T, p.Ser270= (NM_007032.5, NM_138632.2).
Identifiers: ClinVar variation 666772 (VCV000666772.4), dbSNP rs746538137, ClinGen allele CA10224856.

ClinVar aggregate classification (germline): Likely benign (1 of 4 stars; one submission).

Allele frequency attached by ClinVar (database versions not stated): ExAC below 0.00001; gnomAD 0.00001; gnomAD exomes 0.00003; TOPMed 0.00003.
gnomAD v4.1: 54 of 1,552,696 alleles (0.0035%); highest among the groups gnomAD compares: Middle Eastern, 0.017%; no homozygotes.

Submission:

Laboratory for Molecular Medicine, Mass General Brigham Personalized Medicine
Classification: Likely benign. Last evaluated: 2018-03-30. Review status: criteria provided, single submitter. Criteria: LMM Criteria. Collection method: clinical testing. Allele origin: germline. Observed: 1 variant allele.
Comment: p.Ser1983Ser in exon 16 of TRIOBP: This variant is classified as likely benign b ecause it does not alter an amino acid residue, is not located within the splice consensus sequence, and splice prediction algorithms do not predict a newly cre ated splice site. It has been identified in 4/71576 European chromosomes by the Genome Aggregation Database (gnomAD; dbSNP rs7 46538137). ACMG/AMP Criteria applied: BP4; BP7.